The following is an entry in ClinVar:

NM_198994.3(TGM6):c.744G>A (p.Pro248=)

Gene: TGM6 (transglutaminase 6; plus strand). Cytogenetic location: 20p13.
Variant type: single nucleotide variant.
Coding change: c.744G>A on transcript NM_198994.3 (MANE Select); coding-DNA position 744, G replaced by A.
Protein change: p.Pro248=; no amino-acid change (proline 248 retained).
Molecular consequence: synonymous variant.
Genome position (GRCh38, 1-based): chr20:2,399,632, G>A. VCF-style: chr20-2399632-G-A. GRCh37 (hg19) VCF-style: chr20-2380278-G-A.
Other names: c.744G>A, p.Pro248= (NM_001254734.2).
Identifiers: ClinVar variation 4682439 (VCV004682439.1).

ClinVar aggregate classification (germline): Benign (1 of 4 stars; one submission).

gnomAD v4.1: 39 of 1,613,344 alleles (0.0024%); highest among the groups gnomAD compares: East Asian, 0.029%; no homozygotes.

Submission:

Athena Diagnostics
Classification: Benign. Last evaluated: 2025-10-07. Review status: criteria provided, single submitter. Criteria: Athena Diagnostics Criteria. Collection method: clinical testing. Allele origin: unknown.
Comment: The frequency of this variant in the general population is higher than would generally be expected for pathogenic variants in this gene. Computational tools yielded predictions that this variant is unlikely to have an effect on normal RNA splicing. This nucleotide position exhibits low evolutionary conservation.